The following is an entry in ClinVar:

NM_006648.4(WNK2):c.212T>A (p.Leu71Gln)

Gene: WNK2 (WNK lysine deficient protein kinase 2; plus strand). Cytogenetic location: 9q22.31.
Variant type: single nucleotide variant.
Coding change: c.212T>A on transcript NM_006648.4 (MANE Select); coding-DNA position 212, T replaced by A.
Protein change: p.Leu71Gln; replaces leucine 71 with glutamine.
Molecular consequence: missense variant.
Genome position (GRCh38, 1-based): chr9:93,185,141, T>A. VCF-style: chr9-93185141-T-A. GRCh37 (hg19) VCF-style: chr9-95947423-T-A.
Other names: c.212T>A, p.Leu71Gln (NM_001282394.3); short protein forms L71Q.
Identifiers: ClinVar variation 4201662 (VCV004201662.1).
Genomic context (GRCh38, chr9:93,185,141, plus strand): 5'-AGGAGGAGCCGCCGGGCTTGGAGGCAGCCGAGGCGCCGGGCCCGCAGCCCCCGCAGCCCC[T>A]GCAGCGCCGGGTGCTTCTGCTCTGCAAGACGCGCCGCCTCATCGCGGAGCGCGCCCGCGG-3'
Protein context (NP_006639.3, residues 61-81): EAPGPQPPQP[Leu71Gln]QRRVLLLCKT

ClinVar aggregate classification (germline): Uncertain significance (1 of 4 stars; one submission).

gnomAD v4.1: 2 of 1,300,010 alleles (0.00015%); highest among the groups gnomAD compares: East Asian, 0.0036%; no homozygotes.

Submission:

Ambry Genetics
Classification: Uncertain significance. Last evaluated: 2025-07-25. Review status: criteria provided, single submitter. Criteria: Ambry Variant Classification Scheme 2023. Collection method: clinical testing. Allele origin: germline.
Comment: The p.L71Q variant (also known as c.212T>A), located in coding exon 1 of the WNK2 gene, results from a T to A substitution at nucleotide position 212. The leucine at codon 71 is replaced by glutamine, an amino acid with dissimilar properties. This amino acid position is conserved. In addition, this alteration is predicted to be tolerated by in silico analysis. Based on the available evidence, the clinical significance of this variant remains unclear.